The following is an entry in ClinVar:

ClinVar aggregate classification (germline): Pathogenic (1 of 4 stars; one submission).

Conditions:
Neurofibromatosis, type 1 (NF1). Also called: NEUROFIBROMATOSIS, TYPE I, SOMATIC; VON RECKLINGHAUSEN DISEASE; Peripheral type neurofibromatosis; Neurofibromatosis, type I. Identifiers: Orphanet 636, MedGen C0027831, MONDO:0018975, OMIM 162200. Disease mechanism: loss of function.

Submission:

Labcorp Genetics (formerly Invitae), Labcorp
Classification: Pathogenic for Neurofibromatosis, type 1. Last evaluated: 2025-06-01. Review status: criteria provided, single submitter. Criteria: Invitae Variant Classification Sherloc (09022015). Collection method: clinical testing. Allele origin: germline.
Comment: This sequence change creates a premature translational stop signal (p.Ile386*) in the NF1 gene. It is expected to result in an absent or disrupted protein product. Loss-of-function variants in NF1 are known to be pathogenic (PMID: 10712197, 23913538). This variant is not present in population databases (gnomAD no frequency). This premature translational stop signal has been observed in individual(s) with leiomyosarcoma (PMID: 37536918). For these reasons, this variant has been classified as Pathogenic.

Literature cited by the submitters: PubMed 10712197; PubMed 23913538; PubMed 37536918.

NM_001042492.3(NF1):c.1156del (p.Arg385_Ile386insTer)

Gene: NF1 (neurofibromin 1; plus strand). Cytogenetic location: 17q11.2.
Variant type: Deletion.
Coding change: c.1156del on transcript NM_001042492.3 (MANE Select); coding-DNA position 1156, one base deleted (A; older notation c.1156delA).
Protein change: p.Arg385_Ile386insTer.
Molecular consequence: nonsense.
Genome position (GRCh38, 1-based): chr17:31,201,130, A deleted. VCF-style (leftmost placement, unchanged base first): chr17-31201129-TA-T. GRCh37 (hg19) VCF-style: chr17-29528147-TA-T.
Other names: c.1156del, p.Arg385_Ile386insTer (NM_000267.4, NM_001128147.3).
Identifiers: ClinVar variation 4720538 (VCV004720538.1).